The following is an entry in ClinVar:

NM_001165963.4(SCN1A):c.4537A>T (p.Lys1513Ter)

Genes: SCN1A (sodium voltage-gated channel alpha subunit 1; minus strand), LOC102724058 (uncharacterized LOC102724058; plus strand). Cytogenetic location: 2q24.3.
Variant type: single nucleotide variant.
Coding change: c.4537A>T on transcript NM_001165963.4 (MANE Select); coding-DNA position 4537, A replaced by T.
Protein change: p.Lys1513Ter; replaces lysine 1513 with a stop codon.
Molecular consequence: nonsense. On other transcripts: non-coding transcript variant (1).
Genome position (GRCh38, 1-based): chr2:165,996,057, T>A on the plus strand (A>T on the coding strand, the complement: SCN1A is on the minus strand). VCF-style: chr2-165996057-T-A. GRCh37 (hg19) VCF-style: chr2-166852567-T-A.
Other names: c.4453A>T, p.Lys1485Ter (NM_001165964.3, NM_001353957.2, NM_001353958.2); c.4537A>T, p.Lys1513Ter (NM_001202435.3, NM_001353948.2); c.4504A>T, p.Lys1502Ter (NM_001353949.2, NM_001353950.2, NM_001353951.2 and 2 more transcripts); c.4501A>T, p.Lys1501Ter (NM_001353954.2, NM_001353955.2); c.4450A>T, p.Lys1484Ter (NM_001353960.2); c.2095A>T, p.Lys699Ter (NM_001353961.2); short protein forms K1513*, K699*, K1501*, K1502*, K1484*, K1485*.
Identifiers: ClinVar variation 2109266 (VCV002109266.4), dbSNP rs1553521505, ClinGen allele CA349048657.
Genomic context (GRCh38, chr2:165,996,057, plus strand): 5'-ATTTGATACTTCTTACTCCTGGTCGAGGTATAGGCTTTTGCGGTTTTTTCGATCCTAATT[T>A]TTTCATTGCATTATAGTATTTCTTCTGTTCTTCTGTCATAAAGATGTCTTGACCTCCAAA-3'

ClinVar aggregate classification (germline): Pathogenic (1 of 4 stars; one submission).

Conditions:
Early-infantile DEE. Also called: Early infantile epileptic encephalopathy; Early infantile epileptic encephalopathy with suppression bursts; Ohtahara syndrome. Identifiers: Orphanet 1934, MedGen C0393706, MONDO:0800491.

Submission:

Labcorp Genetics (formerly Invitae), Labcorp
Classification: Pathogenic for Early-infantile DEE. Last evaluated: 2022-03-11. Review status: criteria provided, single submitter. Criteria: Invitae Variant Classification Sherloc (09022015). Collection method: clinical testing. Allele origin: germline.
Comment: This variant is not present in population databases (gnomAD no frequency). This sequence change creates a premature translational stop signal (p.Lys1513*) in the SCN1A gene. It is expected to result in an absent or disrupted protein product. Loss-of-function variants in SCN1A are known to be pathogenic (PMID: 17347258, 18930999). For these reasons, this variant has been classified as Pathogenic. Algorithms developed to predict the effect of sequence changes on RNA splicing suggest that this variant may disrupt the consensus splice site. This variant has not been reported in the literature in individuals affected with SCN1A-related conditions.

Literature cited by the submitters: PubMed 17347258; PubMed 18930999.